The following is an entry in ClinVar:

NM_000298.6(PKLR):c.227_231del (p.Leu76fs)

Gene: PKLR (pyruvate kinase L/R; minus strand). Cytogenetic location: 1q22.
Variant type: Deletion.
Coding change: c.227_231del on transcript NM_000298.6 (MANE Select); coding-DNA positions 227 to 231, 5 bases deleted (TGGAC; older notation c.227_231delTGGAC).
Protein change: p.Leu76fs; shifts the reading frame from leucine 76.
Molecular consequence: frameshift variant.
Genome position (GRCh38, 1-based): chr1:155,300,150-155,300,154, GTCCA deleted on the plus strand (TGGAC on the coding strand, the reverse complement: PKLR is on the minus strand); deleting any 5 consecutive bases within chr1:155,300,150-155,300,156 gives the same sequence; the c. name uses the placement nearest the transcript's 3' end. VCF-style (leftmost placement, unchanged base first): chr1-155300149-TGTCCA-T. GRCh37 (hg19) VCF-style: chr1-155269940-TGTCCA-T.
Other names: c.134_138del, p.Leu45fs (NM_181871.4); short protein forms L45fs, L76fs.
Identifiers: ClinVar variation 4085874 (VCV004085874.8).
Genomic context (GRCh38, chr1:155,300,149, plus strand): 5'-AGTGCTTACCGATGGTGGCAATGATGCTGGTACTGCGAGCAGCCACGGGCTCGGAGTCAA[TGTCCA>T]GTAGGCAGAGGTGTTCCAGGAAGGTGTCTGCCATAGCAGCTGGCAGCTGCTGCTGCTGGA-3'

ClinVar aggregate classification (germline): Pathogenic (1 of 4 stars; one submission).

Submission:

CeGaT Center for Human Genetics Tuebingen
Classification: Pathogenic. Last evaluated: 2025-08-01. Review status: criteria provided, single submitter. Criteria: CeGaT Center For Human Genetics Tuebingen Variant Classification Criteria Version 2. Collection method: clinical testing. Allele origin: germline. Affected: yes. Observed: 1 variant allele.
Comment: PKLR: PVS1, PM2